The following is an entry in ClinVar:

NM_014806.5(RUSC2):c.3511G>A (p.Asp1171Asn)

Gene: RUSC2 (RUN and SH3 domain containing 2; plus strand). Cytogenetic location: 9p13.3.
Variant type: single nucleotide variant.
Coding change: c.3511G>A on transcript NM_014806.5 (MANE Select); coding-DNA position 3511, G replaced by A.
Protein change: p.Asp1171Asn; replaces aspartic acid 1171 with asparagine.
Molecular consequence: missense variant. On other transcripts: non-coding transcript variant (1).
Genome position (GRCh38, 1-based): chr9:35,560,151, G>A. VCF-style: chr9-35560151-G-A. GRCh37 (hg19) VCF-style: chr9-35560148-G-A.
Other names: c.3511G>A, p.Asp1171Asn (NM_001135999.2); c.877G>A, p.Asp293Asn (NM_001330740.2); c.3511G>A (NM_001135999.1); short protein forms D1171N, D293N.
Identifiers: ClinVar variation 1419441 (VCV001419441.9), dbSNP rs781773351, ClinGen allele CA5044176.
Genomic context (GRCh38, chr9:35,560,151, plus strand): 5'-GGCCTCTTTGAAGAGCTGCTGCTGCTGCTACAGCCCCTGGCCCTGCTGCCCTTCAGCCTC[G>A]ACTTGCTGTTCCAGCACCGGCTGCTGCAAAGTGGGCAGCAGCAGCGGCAGCACAAGGAAC-3'
Protein context (NP_055621.2, residues 1161-1181): QPLALLPFSL[Asp1171Asn]LLFQHRLLQS

ClinVar aggregate classification (germline): Conflicting classifications of pathogenicity. Review status: criteria provided, conflicting classifications (1 of 4 stars). 4 submissions from 4 submitters: Uncertain significance (3); Likely benign (1). Last evaluated 2025-12-10.

Conditions:
Intellectual developmental disorder, autosomal recessive 61. Also called: MENTAL RETARDATION, AUTOSOMAL RECESSIVE 61; Intellectual disability, autosomal recessive 61; ALWADEI SYNDROME. Identifiers: MedGen C4540424, MONDO:0030915, OMIM 617773.

Allele frequency attached by ClinVar (database versions not stated): gnomAD exomes 0.00002; gnomAD 0.00001.
gnomAD v4.1: 34 of 1,609,074 alleles (0.0021%); highest among the groups gnomAD compares: Non-Finnish European, 0.0028%; no homozygotes.

Submissions (4):

Ambry Genetics
Classification: Uncertain significance. Last evaluated: 2025-12-10. Review status: criteria provided, single submitter. Criteria: Ambry Variant Classification Scheme 2023. Collection method: clinical testing. Allele origin: germline.

3billion
Classification: Likely benign for Intellectual developmental disorder, autosomal recessive 61. Last evaluated: 2024-09-20. Review status: criteria provided, single submitter. Criteria: ACMG Guidelines, 2015. Collection method: clinical testing. Allele origin: germline. Affected: no.
Comment: The homozygous variant was found in patients diagnosed with another variant in a different gene, with no symptoms related to the gene containing the homozygous variant.

Genomic Medicine Center of Excellence, King Faisal Specialist Hospital and Research Centre
Classification: Uncertain significance for Intellectual developmental disorder, autosomal recessive 61. Last evaluated: 2024-03-29. Review status: criteria provided, single submitter. Criteria: ACMG Guidelines, 2015. Collection method: clinical testing. Allele origin: germline.

Labcorp Genetics (formerly Invitae), Labcorp
Classification: Uncertain significance. Last evaluated: 2022-03-02. Review status: criteria provided, single submitter. Criteria: Invitae Variant Classification Sherloc (09022015). Collection method: clinical testing. Allele origin: germline.
Comment: This variant has not been reported in the literature in individuals affected with RUSC2-related conditions. This variant is present in population databases (rs781773351, gnomAD 0.004%). This sequence change replaces aspartic acid, which is acidic and polar, with asparagine, which is neutral and polar, at codon 1171 of the RUSC2 protein (p.Asp1171Asn). Algorithms developed to predict the effect of missense changes on protein structure and function are either unavailable or do not agree on the potential impact of this missense change (SIFT: "Deleterious"; PolyPhen-2: "Possibly Damaging"; Align-GVGD: "Class C15"). In summary, the available evidence is currently insufficient to determine the role of this variant in disease. Therefore, it has been classified as a Variant of Uncertain Significance.